The following is an entry in ClinVar:

NM_003865.3(HESX1):c.288A>C (p.Arg96Ser)

Gene: HESX1 (HESX homeobox 1; minus strand). Cytogenetic location: 3p14.3.
Variant type: single nucleotide variant.
Coding change: c.288A>C on transcript NM_003865.3 (MANE Select); coding-DNA position 288, A replaced by C.
Protein change: p.Arg96Ser; replaces arginine 96 with serine.
Molecular consequence: missense variant.
Genome position (GRCh38, 1-based): chr3:57,198,822, T>G on the plus strand (A>C on the coding strand, the complement: HESX1 is on the minus strand). VCF-style: chr3-57198822-T-G. GRCh37 (hg19) VCF-style: chr3-57232850-T-G.
Other names: c.288A>C, p.Arg96Ser (NM_001376058.1, NM_001376059.1, NM_001376060.1 and 1 more transcripts); short protein forms R96S.
Identifiers: ClinVar variation 2120871 (VCV002120871.4), dbSNP rs1301873102, ClinGen allele CA353401134.

ClinVar aggregate classification (germline): Uncertain significance (1 of 4 stars; one submission).

Conditions:
GROWTH HORMONE DEFICIENCY WITH PITUITARY ANOMALIES. Identifiers: MedGen C2750027, OMIM 182230.
Septo-optic dysplasia sequence (SOD). Also called: DE MORSIER SYNDROME; Septo-optic dysplasia. Identifiers: Orphanet 3157, MedGen C0338503, MONDO:0008428, OMIM 182230, HP:0100842.

Allele frequency attached by ClinVar (database versions not stated): TOPMed below 0.00001; gnomAD 0.00001.

Submission:

Labcorp Genetics (formerly Invitae), Labcorp
Classification: Uncertain significance for GROWTH HORMONE DEFICIENCY WITH PITUITARY ANOMALIES; Septo-optic dysplasia sequence. Last evaluated: 2023-08-17. Review status: criteria provided, single submitter. Criteria: Invitae Variant Classification Sherloc (09022015). Collection method: clinical testing. Allele origin: germline.
Comment: In summary, the available evidence is currently insufficient to determine the role of this variant in disease. Therefore, it has been classified as a Variant of Uncertain Significance. An algorithm developed to predict the effect of missense changes on protein structure and function (PolyPhen-2) suggests that this variant is likely to be tolerated. ClinVar contains an entry for this variant (Variation ID: 2120871). This variant has not been reported in the literature in individuals affected with HESX1-related conditions. This variant is present in population databases (no rsID available, gnomAD 0.0009%). This sequence change replaces arginine, which is basic and polar, with serine, which is neutral and polar, at codon 96 of the HESX1 protein (p.Arg96Ser).